The following is an entry in ClinVar:

ClinVar aggregate classification (germline): Uncertain significance (1 of 4 stars; one submission).

Conditions:
Cardiomyopathy (CMYO). Also called: Cardiomyopathies. Identifiers: Orphanet 167848, MedGen C0878544, MONDO:0004994, HP:0001638. Inheritance: Various modes of inheritance.

Submission:

Color Diagnostics, LLC DBA Color Health
Classification: Uncertain significance for Cardiomyopathy. Last evaluated: 2024-04-15. Review status: criteria provided, single submitter. Criteria: ACMG Guidelines, 2015. Collection method: clinical testing. Allele origin: germline.
Comment: This missense variant replaces glutamic acid with aspartic acid at codon 935 of the MYH7 protein. Computational prediction tools indicate that this variant has a neutral impact on protein structure and function. To our knowledge, functional studies have not been reported for this variant. This variant has not been reported in individuals affected with MYH7-related disorders in the literature. This variant has not been identified in the general population by the Genome Aggregation Database (gnomAD). The available evidence is insufficient to determine the role of this variant in disease conclusively. Therefore, this variant is classified as a Variant of Uncertain Significance.

NM_000257.4(MYH7):c.2805G>C (p.Glu935Asp)

Gene: MYH7 (myosin heavy chain 7; minus strand). Cytogenetic location: 14q11.2.
Variant type: single nucleotide variant.
Coding change: c.2805G>C on transcript NM_000257.4 (MANE Select); coding-DNA position 2805, G replaced by C.
Protein change: p.Glu935Asp; replaces glutamic acid 935 with aspartic acid.
Molecular consequence: missense variant.
Genome position (GRCh38, 1-based): chr14:23,424,024, C>G on the plus strand (G>C on the coding strand, the complement: MYH7 is on the minus strand). VCF-style: chr14-23424024-C-G. GRCh37 (hg19) VCF-style: chr14-23893233-C-G.
Other names: c.2805G>C, p.Glu935Asp (NM_001407004.1); short protein forms E935D.
Identifiers: ClinVar variation 3893749 (VCV003893749.1).